The following is an entry in ClinVar:

NM_000540.3(RYR1):c.4294-1G>C

Gene: RYR1 (ryanodine receptor 1; plus strand). Cytogenetic location: 19q13.2.
Variant type: single nucleotide variant.
Coding change: c.4294-1G>C on transcript NM_000540.3 (MANE Select); the canonical splice acceptor site of the intron before coding-DNA position 4294, G replaced by C.
Molecular consequence: splice acceptor variant.
Genome position (GRCh38, 1-based): chr19:38,477,709, G>C. VCF-style: chr19-38477709-G-C. GRCh37 (hg19) VCF-style: chr19-38968349-G-C.
Other names: c.4294-1G>C (NM_001042723.2).
Identifiers: ClinVar variation 2867616 (VCV002867616.5), dbSNP rs2514176735, ClinGen allele CA405645621.

ClinVar aggregate classification (germline): Conflicting classifications of pathogenicity. Review status: criteria provided, conflicting classifications (1 of 4 stars). 3 submissions from 3 submitters: Likely pathogenic (1); Uncertain significance (2). Last evaluated 2025-07-14.

Conditions:
Malignant hyperthermia, susceptibility to, 1 (MHS1). Also called: Anesthesia related hyperthermia; Malignant hyperpyrexia; Fulminating hyperpyrexia; Pharmacogenic myopathy; Malignant hyperthermia suceptibility 1; RYR1-Related Malignant Hyperthermia Susceptibility. Identifiers: Orphanet 423, MedGen C2930980, MONDO:0007783, OMIM 145600.
RYR1-related disorder. Also called: RYR1-related condition; RYR1-related disorders. Identifiers: MedGen CN239331.

Allele frequency attached by ClinVar (database versions not stated): gnomAD exomes below 0.00001.
gnomAD v4.1: 1 of 1,614,142 alleles (0.000062%); highest among the groups gnomAD compares: Non-Finnish European, 0.000085%; no homozygotes.

Submissions (3):

Labcorp Genetics (formerly Invitae), Labcorp
Classification: Likely pathogenic for RYR1-related disorder. Last evaluated: 2025-07-14. Review status: criteria provided, single submitter. Criteria: Invitae Variant Classification Sherloc (09022015). Collection method: clinical testing. Allele origin: germline.
Comment: This sequence change affects an acceptor splice site in intron 29 of the RYR1 gene. It is expected to disrupt RNA splicing. Variants that disrupt the donor or acceptor splice site typically lead to a loss of protein function (PMID: 16199547), and loss-of-function variants in RYR1 are known to be pathogenic (PMID: 23919265, 25960145, 28818389, 30611313). This variant is not present in population databases (gnomAD no frequency). This variant has not been reported in the literature in individuals affected with RYR1-related conditions. ClinVar contains an entry for this variant (Variation ID: 2867616). Algorithms developed to predict the effect of sequence changes on RNA splicing suggest that this variant may disrupt the consensus splice site. In summary, the currently available evidence indicates that the variant is pathogenic, but additional data are needed to prove that conclusively. Therefore, this variant has been classified as Likely Pathogenic.

Color Diagnostics, LLC DBA Color Health
Classification: Uncertain significance for Malignant hyperthermia, susceptibility to, 1. Last evaluated: 2025-07-07. Review status: criteria provided, single submitter. Criteria: ACMG Guidelines, 2015. Collection method: clinical testing. Allele origin: germline.
Comment: This variant causes a G to C nucleotide substitution at the -1 position of intron 29 of the RYR1 gene. To our knowledge, functional studies have not been reported for this variant. This variant has not been reported in individuals affected with RYR1-related disorders in the literature. This variant has not been identified in the general population by the Genome Aggregation Database (gnomAD). The available evidence is insufficient to determine the role of this variant in disease conclusively. Therefore, this variant is classified as a Variant of Uncertain Significance.

All of Us Research Program, National Institutes of Health
Classification: Uncertain significance for Malignant hyperthermia, susceptibility to, 1. Last evaluated: 2023-06-26. Review status: criteria provided, single submitter. Criteria: ACMG Guidelines, 2015. Collection method: clinical testing. Allele origin: germline. Inheritance: Autosomal dominant inheritance. Observed: 1 variant allele, 1 heterozygote.
Comment: This variant causes a G to C nucleotide substitution at the -1 position of intron 29 of the RYR1 gene. Splice prediction tools indicate that this variant may disrupt RNA splicing. To our knowledge, functional studies have not been reported for this variant. This variant has not been reported in individuals affected with RYR1-related disorders in the literature. This variant has not been identified in the general population by the Genome Aggregation Database (gnomAD). The available evidence is insufficient to determine the role of this variant in disease conclusively. Therefore, this variant is classified as a Variant of Uncertain Significance.

This study involves interpretation of variants in research participants for the purpose of population health screening. Participant phenotype was not available at the time of variant classification. Additional details can be found in publication PMID: 35346344, PMCID: PMC8962531

Literature cited by the submitters: PubMed 16199547 (cited by Labcorp Genetics (formerly Invitae), Labcorp); PubMed 23919265 (cited by Labcorp Genetics (formerly Invitae), Labcorp); PubMed 25960145 (cited by Labcorp Genetics (formerly Invitae), Labcorp); PubMed 28818389 (cited by Labcorp Genetics (formerly Invitae), Labcorp); PubMed 30611313 (cited by Labcorp Genetics (formerly Invitae), Labcorp).